The following is an entry in ClinVar:

NM_005732.4(RAD50):c.3165-4A>T

Gene: RAD50 (RAD50 double strand break repair protein; plus strand). Cytogenetic location: 5q31.1.
Variant type: single nucleotide variant.
Coding change: c.3165-4A>T on transcript NM_005732.4 (MANE Select); 4 bases into the intron before coding-DNA position 3165, A replaced by T.
Molecular consequence: intron variant.
Genome position (GRCh38, 1-based): chr5:132,618,066, A>T. VCF-style: chr5-132618066-A-T. GRCh37 (hg19) VCF-style: chr5-131953758-A-T.
Identifiers: ClinVar variation 127003 (VCV000127003.26), dbSNP rs104895050, ClinGen allele CA230721.

ClinVar aggregate classification (germline): Benign/Likely benign. Review status: criteria provided, multiple submitters, no conflicts (2 of 4 stars). 10 submissions from 9 submitters: Benign (7); Likely benign (1). 2 of the submissions do not count toward it. Last evaluated 2026-01-30.

Conditions:
Hereditary cancer-predisposing syndrome. Also called: Tumor predisposition; Hereditary neoplastic syndrome; Neoplastic Syndromes, Hereditary; Hereditary Cancer Syndrome. Identifiers: Orphanet 140162, MedGen C0027672, MeSH D009386, MONDO:0015356.
Familial cancer of breast. Also called: hereditary breast carcinoma; Hereditary breast cancer; BREAST CANCER, FAMILIAL. Identifiers: Orphanet 227535, MedGen C0346153, MONDO:0016419, OMIM 114480. Disease mechanism: loss of function.
Nijmegen breakage syndrome-like disorder (NBSLD). Also called: MICROCEPHALY AND SPONTANEOUS CHROMOSOME INSTABILITY WITHOUT IMMUNODEFICIENCY; NBS-LIKE DISORDER; RAD50 DEFICIENCY. Identifiers: Orphanet 240760, MedGen C2751318, MONDO:0013118, OMIM 613078.

Allele frequency attached by ClinVar (database versions not stated): 1000 Genomes Project 0.00300; gnomAD exomes 0.00333 and 0.00267; ExAC 0.00353; ESP Exome Variant Server 0.00092; TOPMed 0.00100; gnomAD 0.00133 and 0.00190; 1000 Genomes Project 30x 0.00297.
gnomAD v4.1: 4,203 of 1,610,888 alleles (0.26%); highest among the groups gnomAD compares: South Asian, 1.6%; 42 homozygotes.

Submissions (11):

Labcorp Genetics (formerly Invitae), Labcorp
Classification: Benign for Hereditary cancer-predisposing syndrome. Last evaluated: 2026-01-30. Review status: criteria provided, single submitter. Criteria: Invitae Variant Classification Sherloc (09022015). Collection method: clinical testing. Allele origin: germline.

Quest Diagnostics Nichols Institute San Juan Capistrano
Classification: Benign. Last evaluated: 2025-09-27. Review status: criteria provided, single submitter. Criteria: Quest Diagnostics criteria. Collection method: clinical testing. Allele origin: unknown.

KCCC/NGS Laboratory, Kuwait Cancer Control Center
Classification: Benign for Nijmegen breakage syndrome-like disorder. Last evaluated: 2025-02-01. Review status: criteria provided, single submitter. Criteria: ACMG Guidelines, 2015. Collection method: clinical testing. Allele origin: germline. Affected: no.

Blueprint Genetics
Classification: Likely benign. Last evaluated: 2024-11-21. Review status: criteria provided, single submitter. Criteria: ACMG Guidelines, 2015. Collection method: clinical testing. Allele origin: germline.

KCCC/NGS Laboratory, Kuwait Cancer Control Center
Classification: Benign for Familial cancer of breast. Last evaluated: 2023-07-07. Review status: criteria provided, single submitter. Criteria: ACMG Guidelines, 2015. Collection method: clinical testing. Allele origin: germline. Affected: yes.

Women's Health and Genetics/Laboratory Corporation of America, LabCorp
Classification: Benign. Last evaluated: 2020-02-17. Review status: criteria provided, single submitter. Criteria: LabCorp Variant Classification Summary - May 2015. Collection method: clinical testing. Allele origin: germline.
Comment: Variant summary: RAD50 c.3165-4A>T alters a non-conserved nucleotide located close to a canonical splice site and therefore could affect mRNA splicing, leading to a significantly altered protein sequence. 4/4 computational tools predict no significant impact on normal splicing. However, these predictions have yet to be confirmed by functional studies. The variant allele was found at a frequency of 0.0033 in 250358 control chromosomes in the gnomAD database, including 10 homozygotes. The observed variant frequency is approximately 53 fold of the estimated maximal expected allele frequency for a pathogenic variant in RAD50 causing Hereditary Breast and Ovarian Cancer phenotype (6.3e-05), strongly suggesting that the variant is benign. To our knowledge, no occurrence of c.3165-4A>T in individuals affected with Hereditary Breast and Ovarian Cancer and no experimental evidence demonstrating its impact on protein function have been reported. Three clinical diagnostic laboratories have submitted clinical-significance assessments for this variant to ClinVar after 2014 without evidence for independent evaluation. All laboratories classified the variant as benign. Based on the evidence outlined above, the variant was classified as benign.

Ambry Genetics
Classification: Benign for Hereditary cancer-predisposing syndrome. Last evaluated: 2015-11-05. Review status: criteria provided, single submitter. Criteria: Ambry Variant Classification Scheme 2023. Collection method: clinical testing. Allele origin: germline.

GeneDx
Classification: Benign. Last evaluated: 2013-12-26. Review status: criteria provided, single submitter. Criteria: GeneDx Variant Classification (06012015). Collection method: clinical testing. Allele origin: germline. Affected: yes.
Comment: This variant is considered likely benign or benign based on one or more of the following criteria: it is a conservative change, it occurs at a poorly conserved position in the protein, it is predicted to be benign by multiple in silico algorithms, and/or has population frequency not consistent with disease.

Counsyl
Classification: Benign for Nijmegen breakage syndrome-like disorder. Last evaluated: 2016-11-03. Review status: no assertion criteria provided. Collection method: clinical testing. Allele origin: unknown. Not counted in ClinVar's aggregate classification.

Dr. Peter K. Rogan Lab, Western University
No classification provided (evidence only). Condition: Ovarian serous cystadenocarcinoma. Review status: no classification provided. Collection method: in vitro. Allele origin: not applicable. Functional consequence: retained intron. Not counted in ClinVar's aggregate classification.

Harris Lab, University of Minnesota
No classification provided. Review status: no classification provided. Collection method: not provided. Allele origin: unknown. Not counted in ClinVar's aggregate classification.

Literature cited by the submitters: PubMed 26787654 (cited by Quest Diagnostics Nichols Institute San Juan Capistrano and Counsyl); PubMed 24894818 (cited by Quest Diagnostics Nichols Institute San Juan Capistrano and Counsyl); PubMed 19383352 (cited by Counsyl); PubMed 20805886 (cited by Counsyl).